The following is an entry in ClinVar:

ClinVar aggregate classification (germline): Likely benign. Review status: criteria provided, multiple submitters, no conflicts (2 of 4 stars). 2 submissions from 2 submitters: Likely benign (2). Last evaluated 2023-05-04.

Conditions:
Malignant hyperthermia, susceptibility to, 5 (MHS5). Also called: CACNA1S-Related Malignant Hyperthermia Susceptibility. Identifiers: Orphanet 423, MedGen C1866077, MONDO:0011163, OMIM 601887.
Hypokalemic periodic paralysis, type 1. Also called: HypoPP; Hypokalemic Periodic Paralysis Type 1 (AD). Identifiers: Orphanet 681, MedGen C3714580, MONDO:0042979, OMIM 170400.

gnomAD v4.1: 1 of 1,614,002 alleles (0.000062%); no homozygotes.

Submissions (2):

All of Us Research Program, National Institutes of Health
Classification: Likely benign for Malignant hyperthermia, susceptibility to, 5. Last evaluated: 2023-05-04. Review status: criteria provided, single submitter. Criteria: ACMG Guidelines, 2015. Collection method: clinical testing. Allele origin: germline. Inheritance: Autosomal dominant inheritance. Observed: 1 variant allele, 1 heterozygote.
Comment: This study involves interpretation of variants in research participants for the purpose of population health screening. Participant phenotype was not available at the time of variant classification. Additional details can be found in publication PMID: 35346344, PMCID: PMC8962531

Labcorp Genetics (formerly Invitae), Labcorp
Classification: Likely benign for Hypokalemic periodic paralysis, type 1; Malignant hyperthermia, susceptibility to, 5. Last evaluated: 2022-12-12. Review status: criteria provided, single submitter. Criteria: Invitae Variant Classification Sherloc (09022015). Collection method: clinical testing. Allele origin: germline.

NM_000069.3(CACNA1S):c.2349C>T (p.Ser783=)

Gene: CACNA1S (calcium voltage-gated channel subunit alpha1 S; minus strand). Cytogenetic location: 1q32.1.
Variant type: single nucleotide variant.
Coding change: c.2349C>T on transcript NM_000069.3 (MANE Select); coding-DNA position 2349, C replaced by T.
Protein change: p.Ser783=; no amino-acid change (serine 783 retained).
Molecular consequence: synonymous variant.
Genome position (GRCh38, 1-based): chr1:201,070,283, G>A on the plus strand (C>T on the coding strand, the complement: CACNA1S is on the minus strand). VCF-style: chr1-201070283-G-A. GRCh37 (hg19) VCF-style: chr1-201039411-G-A.
Identifiers: ClinVar variation 1148860 (VCV001148860.10), dbSNP rs1572043239, ClinGen allele CA422688019.